The following is an entry in ClinVar:

NM_021625.5(TRPV4):c.449A>T (p.Asn150Ile)

Gene: TRPV4 (transient receptor potential cation channel subfamily V member 4; minus strand). Cytogenetic location: 12q24.11.
Variant type: single nucleotide variant.
Coding change: c.449A>T on transcript NM_021625.5 (MANE Select); coding-DNA position 449, A replaced by T.
Protein change: p.Asn150Ile; replaces asparagine 150 with isoleucine.
Molecular consequence: missense variant.
Genome position (GRCh38, 1-based): chr12:109,808,406, T>A on the plus strand (A>T on the coding strand, the complement: TRPV4 is on the minus strand). VCF-style: chr12-109808406-T-A. GRCh37 (hg19) VCF-style: chr12-110246211-T-A.
Other names: c.449A>T, p.Asn150Ile (NM_001177428.2, NM_001177433.2, NM_147204.3); c.347A>T, p.Asn116Ile (NM_001177431.2); short protein forms N116I, N150I.
Identifiers: ClinVar variation 844897 (VCV000844897.9), dbSNP rs1376333910, ClinGen allele CA386657248.
Genomic context (GRCh38, chr12:109,808,406, plus strand): 5'-AGCAGCCCGTCCAGGTCAGCAGTGGAGCCCCGGGACACGATGTCAAAGAGGATAGGCCGG[T>A]TGAAGACTTTGAGGATGGGGGGCGGCTGAGGGGCAGGGGCTTTGGGGCTCTGCGGCTGCT-3'
Protein context (NP_067638.3, residues 140-160): PQPPPILKVF[Asn150Ile]RPILFDIVSR

ClinVar aggregate classification (germline): Uncertain significance (1 of 4 stars; one submission).

Conditions:
Charcot-Marie-Tooth disease axonal type 2C (HMSN2C). Also called: Charcot-Marie-Tooth Disease Type 2, TRPV4-Related (CMT2C); CHARCOT-MARIE-TOOTH DISEASE, AXONAL, AUTOSOMAL DOMINANT, TYPE 2C; Charcot-Marie-Tooth Neuropathy Type 2C. Identifiers: Orphanet 99937, MedGen C1853710, MONDO:0011633, OMIM 606071.

Allele frequency attached by ClinVar (database versions not stated): gnomAD exomes below 0.00001 and 0.00001.

Submission:

Labcorp Genetics (formerly Invitae), Labcorp
Classification: Uncertain significance for Charcot-Marie-Tooth disease axonal type 2C. Last evaluated: 2019-01-11. Review status: criteria provided, single submitter. Criteria: Invitae Variant Classification Sherloc (09022015). Collection method: clinical testing. Allele origin: germline.
Comment: In summary, this is a novel missense change with uncertain impact on protein function. It has been classified as a Variant of Uncertain Significance. Algorithms developed to predict the effect of missense changes on protein structure and function do not agree on the potential impact of this missense change (SIFT: "Deleterious"; PolyPhen-2: "Possibly Damaging"; Align-GVGD: "Class C0"). This variant is not present in population databases (ExAC no frequency) and has not been reported in the literature in individuals with a TRPV4-related disease. This sequence change replaces asparagine with isoleucine at codon 150 of the TRPV4 protein (p.Asn150Ile). The asparagine residue is moderately conserved and there is a large physicochemical difference between asparagine and isoleucine.